The following is an entry in ClinVar:

NM_182919.4(TICAM1):c.575G>A (p.Cys192Tyr)

Gene: TICAM1 (TIR domain containing adaptor molecule 1; minus strand). Cytogenetic location: 19p13.3.
Variant type: single nucleotide variant.
Coding change: c.575G>A on transcript NM_182919.4 (MANE Select); coding-DNA position 575, G replaced by A.
Protein change: p.Cys192Tyr; replaces cysteine 192 with tyrosine.
Molecular consequence: missense variant. On other transcripts: 5 prime UTR variant (1).
Genome position (GRCh38, 1-based): chr19:4,817,803, C>T on the plus strand (G>A on the coding strand, the complement: TICAM1 is on the minus strand). VCF-style: chr19-4817803-C-T. GRCh37 (hg19) VCF-style: chr19-4817815-C-T.
Other names: c.533G>A, p.Cys178Tyr (NM_001385678.1); c.440G>A, p.Cys147Tyr (NM_001385679.1); c.-68G>A (NM_001385680.1); short protein forms C178Y, C147Y, C192Y.
Identifiers: ClinVar variation 2014670 (VCV002014670.4), dbSNP rs2512399719, ClinGen allele CA403492347.

ClinVar aggregate classification (germline): Uncertain significance (1 of 4 stars; one submission).

Conditions:
Encephalopathy, acute, infection-induced (herpes-specific), susceptibility to, 6. Also called: Herpes simplex encephalitis, susceptibility to, 4. Identifiers: Orphanet 1930, MedGen C3553869, MONDO:0013921, OMIM 614850.

Allele frequency attached by ClinVar (database versions not stated): gnomAD exomes below 0.00001.
gnomAD v4.1: 1 of 1,597,834 alleles (0.000063%); highest among the groups gnomAD compares: Non-Finnish European, 0.000085%; no homozygotes.

Submission:

Labcorp Genetics (formerly Invitae), Labcorp
Classification: Uncertain significance for Encephalopathy, acute, infection-induced (herpes-specific), susceptibility to, 6. Last evaluated: 2024-10-16. Review status: criteria provided, single submitter. Criteria: Invitae Variant Classification Sherloc (09022015). Collection method: clinical testing. Allele origin: germline.
Comment: This sequence change replaces cysteine, which is neutral and slightly polar, with tyrosine, which is neutral and polar, at codon 192 of the TICAM1 protein (p.Cys192Tyr). This variant is not present in population databases (gnomAD no frequency). This variant has not been reported in the literature in individuals affected with TICAM1-related conditions. ClinVar contains an entry for this variant (Variation ID: 2014670). An algorithm developed to predict the effect of missense changes on protein structure and function (PolyPhen-2) suggests that this variant is likely to be tolerated. In summary, the available evidence is currently insufficient to determine the role of this variant in disease. Therefore, it has been classified as a Variant of Uncertain Significance.